The following is an entry in ClinVar:

NM_022039.4(FBXW4):c.952G>C (p.Asp318His)

Gene: FBXW4 (F-box and WD repeat domain containing 4; minus strand). Cytogenetic location: 10q24.32.
Variant type: single nucleotide variant.
Coding change: c.952G>C on transcript NM_022039.4 (MANE Select); coding-DNA position 952, G replaced by C.
Protein change: p.Asp318His; replaces aspartic acid 318 with histidine.
Molecular consequence: missense variant. On other transcripts: non-coding transcript variant (1).
Genome position (GRCh38, 1-based): chr10:101,673,543, C>G on the plus strand (G>C on the coding strand, the complement: FBXW4 is on the minus strand). VCF-style: chr10-101673543-C-G. GRCh37 (hg19) VCF-style: chr10-103433300-C-G.
Other names: c.226G>C, p.Asp76His (NM_001323541.2); short protein forms D76H, D318H.
Identifiers: ClinVar variation 4743791 (VCV004743791.1).

ClinVar aggregate classification (germline): Uncertain significance (1 of 4 stars; one submission).

gnomAD v4.1: 86 of 1,614,000 alleles (0.0053%); highest among the groups gnomAD compares: Middle Eastern, 0.017%; no homozygotes.

Submission:

Labcorp Genetics (formerly Invitae), Labcorp
Classification: Uncertain significance. Last evaluated: 2025-10-22. Review status: criteria provided, single submitter. Criteria: Invitae Variant Classification Sherloc (09022015). Collection method: clinical testing. Allele origin: germline.
Comment: This sequence change replaces aspartic acid, which is acidic and polar, with histidine, which is basic and polar, at codon 163 of the FBXW4 protein (p.Asp163His). This variant is present in population databases (rs199514450, gnomAD 0.04%). This variant has not been reported in the literature in individuals affected with FBXW4-related conditions. An algorithm developed to predict the effect of missense changes on protein structure and function (PolyPhen-2) suggests that this variant is likely to be disruptive. In summary, the available evidence is currently insufficient to determine the role of this variant in disease. Therefore, it has been classified as a Variant of Uncertain Significance.